The following is an entry in ClinVar:

ClinVar aggregate classification (germline): Uncertain significance (1 of 4 stars; one submission).

Conditions:
Amyloidosis, hereditary systemic 1 (AMYLD1). Also called: Familial amyloid polyneuropathy; Hereditary Transthyretin Amyloidosis; Transthyretin Amyloidosis; Isolated Cardiac Amyloidosis; Amyloid Cardiomyopathy, Transthyretin-related; Hereditary oculoleptomeningeal amyloid angiopathy. Identifiers: Orphanet 85447, Orphanet 85451, MedGen C2751492, MONDO:0971004, OMIM 105210.

Submission:

Labcorp Genetics (formerly Invitae), Labcorp
Classification: Uncertain significance for Amyloidosis, hereditary systemic 1. Last evaluated: 2022-06-28. Review status: criteria provided, single submitter. Criteria: Invitae Variant Classification Sherloc (09022015). Collection method: clinical testing. Allele origin: germline.
Comment: In summary, the available evidence is currently insufficient to determine the role of this variant in disease. Therefore, it has been classified as a Variant of Uncertain Significance. Algorithms developed to predict the effect of missense changes on protein structure and function are either unavailable or do not agree on the potential impact of this missense change (SIFT: "Not Available"; PolyPhen-2: "Possibly Damaging"; Align-GVGD: "Not Available"). This variant has not been reported in the literature in individuals affected with TTR-related conditions. This variant is not present in population databases (gnomAD no frequency). This sequence change replaces glutamic acid, which is acidic and polar, with glycine, which is neutral and non-polar, at codon 112 of the TTR protein (p.Glu112Gly).

NM_000371.4(TTR):c.335A>G (p.Glu112Gly)

Gene: TTR (transthyretin; plus strand). Cytogenetic location: 18q12.1.
Variant type: single nucleotide variant.
Coding change: c.335A>G on transcript NM_000371.4 (MANE Select); coding-DNA position 335, A replaced by G.
Protein change: p.Glu112Gly; replaces glutamic acid 112 with glycine.
Molecular consequence: missense variant.
Genome position (GRCh38, 1-based): chr18:31,595,254, A>G. VCF-style: chr18-31595254-A-G. GRCh37 (hg19) VCF-style: chr18-29175217-A-G.
Other names: short protein forms E112G.
Identifiers: ClinVar variation 2010880 (VCV002010880.4), dbSNP rs2510933086, ClinGen allele CA402157163.